The following is an entry in ClinVar:

NM_006206.6(PDGFRA):c.3262T>C (p.Phe1088Leu)

Gene: PDGFRA (platelet derived growth factor receptor alpha; plus strand). Cytogenetic location: 4q12.
Variant type: single nucleotide variant.
Coding change: c.3262T>C on transcript NM_006206.6 (MANE Select); coding-DNA position 3262, T replaced by C.
Protein change: p.Phe1088Leu; replaces phenylalanine 1088 with leucine.
Molecular consequence: missense variant.
Genome position (GRCh38, 1-based): chr4:54,295,264, T>C. VCF-style: chr4-54295264-T-C. GRCh37 (hg19) VCF-style: chr4-55161431-T-C.
Other names: c.3337T>C, p.Phe1113Leu (NM_001347828.2); c.3262T>C, p.Phe1088Leu (NM_001347829.2); c.3301T>C, p.Phe1101Leu (NM_001347830.2); short protein forms F1088L, F1101L, F1113L.
Identifiers: ClinVar variation 4729861 (VCV004729861.1).

ClinVar aggregate classification (germline): Uncertain significance (1 of 4 stars; one submission).

Conditions:
Gastrointestinal stromal tumor. Also called: Gastrointestinal stromal tumor, somatic; Gastrointestinal stroma tumor. Identifiers: Orphanet 44890, MedGen C0238198, MeSH D046152, MONDO:0011719, OMIM 606764, HP:0100723.

Submission:

Labcorp Genetics (formerly Invitae), Labcorp
Classification: Uncertain significance for Gastrointestinal stromal tumor. Last evaluated: 2025-10-26. Review status: criteria provided, single submitter. Criteria: Invitae Variant Classification Sherloc (09022015). Collection method: clinical testing. Allele origin: germline.
Comment: This sequence change replaces phenylalanine, which is neutral and non-polar, with leucine, which is neutral and non-polar, at codon 1088 of the PDGFRA protein (p.Phe1088Leu). This variant is not present in population databases (gnomAD no frequency). This variant has not been reported in the literature in individuals affected with PDGFRA-related conditions. An algorithm developed to predict the effect of missense changes on protein structure and function (PolyPhen-2) suggests that this variant is likely to be disruptive. In summary, the available evidence is currently insufficient to determine the role of this variant in disease. Therefore, it has been classified as a Variant of Uncertain Significance.